The following is an entry in ClinVar:

NM_199355.4(ADAMTS18):c.23C>T (p.Ala8Val)

Gene: ADAMTS18 (ADAM metallopeptidase with thrombospondin type 1 motif 18; minus strand). Cytogenetic location: 16q23.1.
Variant type: single nucleotide variant.
Coding change: c.23C>T on transcript NM_199355.4 (MANE Select); coding-DNA position 23, C replaced by T.
Protein change: p.Ala8Val; replaces alanine 8 with valine.
Molecular consequence: missense variant. On other transcripts: 5 prime UTR variant (1).
Genome position (GRCh38, 1-based): chr16:77,434,673, G>A on the plus strand (C>T on the coding strand, the complement: ADAMTS18 is on the minus strand). VCF-style: chr16-77434673-G-A. GRCh37 (hg19) VCF-style: chr16-77468570-G-A.
Other names: c.-498C>T (NM_001326358.2); short protein forms A8V.
Identifiers: ClinVar variation 1043951 (VCV001043951.7), dbSNP rs1597272372, ClinGen allele CA396851981.

ClinVar aggregate classification (germline): Uncertain significance (1 of 4 stars; one submission).

Allele frequency attached by ClinVar (database versions not stated): gnomAD exomes below 0.00001.
gnomAD v4.1: 2 of 1,478,484 alleles (0.00014%); highest among the groups gnomAD compares: Non-Finnish European, 0.000089%; no homozygotes.

Submission:

Labcorp Genetics (formerly Invitae), Labcorp
Classification: Uncertain significance. Last evaluated: 2020-09-18. Review status: criteria provided, single submitter. Criteria: Invitae Variant Classification Sherloc (09022015). Collection method: clinical testing. Allele origin: germline.
Comment: Algorithms developed to predict the effect of missense changes on protein structure and function output the following: SIFT: "Not Available"; PolyPhen-2: "Possibly Damaging"; Align-GVGD: "Not Available". The valine amino acid residue is found in multiple mammalian species, suggesting that this missense change does not adversely affect protein function. These predictions have not been confirmed by published functional studies and their clinical significance is uncertain. In summary, the available evidence is currently insufficient to determine the role of this variant in disease. Therefore, it has been classified as a Variant of Uncertain Significance. This variant has not been reported in the literature in individuals with ADAMTS18-related conditions. The frequency data for this variant in the population databases is considered unreliable, as metrics indicate insufficient coverage at this position in the ExAC database. This sequence change replaces alanine with valine at codon 8 of the ADAMTS18 protein (p.Ala8Val). The alanine residue is weakly conserved and there is a small physicochemical difference between alanine and valine.